The following is an entry in ClinVar:

NM_030777.4(SLC2A10):c.68G>A (p.Gly23Asp)

Gene: SLC2A10 (solute carrier family 2 member 10; plus strand). Cytogenetic location: 20q13.12.
Variant type: single nucleotide variant.
Coding change: c.68G>A on transcript NM_030777.4 (MANE Select); coding-DNA position 68, G replaced by A.
Protein change: p.Gly23Asp; replaces glycine 23 with aspartic acid.
Molecular consequence: missense variant.
Genome position (GRCh38, 1-based): chr20:46,725,104, G>A. VCF-style: chr20-46725104-G-A. GRCh37 (hg19) VCF-style: chr20-45353743-G-A.
Other names: short protein forms G23D.
Identifiers: ClinVar variation 4803106 (VCV004803106.1).

ClinVar aggregate classification (germline): Likely pathogenic (1 of 4 stars; one submission).

Conditions:
Arterial tortuosity syndrome (ATORS). Identifiers: Orphanet 3342, MedGen C1859726, MONDO:0008818, OMIM 208050.

gnomAD v4.1: 2 of 1,614,068 alleles (0.00012%); highest among the groups gnomAD compares: East Asian, 0.0022%; no homozygotes.

Submission:

Labcorp Genetics (formerly Invitae), Labcorp
Classification: Likely pathogenic for Arterial tortuosity syndrome. Last evaluated: 2025-11-12. Review status: criteria provided, single submitter. Criteria: Invitae Variant Classification Sherloc (09022015). Collection method: clinical testing. Allele origin: germline.
Comment: This sequence change replaces glycine, which is neutral and non-polar, with aspartic acid, which is acidic and polar, at codon 23 of the SLC2A10 protein (p.Gly23Asp). This variant is not present in population databases (gnomAD no frequency). This missense change has been observed in individual(s) with arterial tortuosity syndrome (PMID: 29323665). Invitae Evidence Modeling of protein sequence and biophysical properties (such as structural, functional, and spatial information, amino acid conservation, physicochemical variation, residue mobility, and thermodynamic stability) indicates that this missense variant is expected to disrupt SLC2A10 protein function with a positive predictive value of 95%. This variant disrupts the p.Gly23 amino acid residue in SLC2A10. Other variant(s) that disrupt this residue have been determined to be pathogenic (PMID: 33461977). This suggests that this residue is clinically significant, and that variants that disrupt this residue are likely to be disease-causing. In summary, the currently available evidence indicates that the variant is pathogenic, but additional data are needed to prove that conclusively. Therefore, this variant has been classified as Likely Pathogenic.

Literature cited by the submitters: PubMed 29323665; PubMed 33461977.